The following is an entry in ClinVar:

ClinVar aggregate classification (germline): Uncertain significance (1 of 4 stars; one submission).

Allele frequency attached by ClinVar (database versions not stated): gnomAD 0.00002; ExAC 0.00007.
gnomAD v4.1: 50 of 1,613,148 alleles (0.0031%); highest among the groups gnomAD compares: South Asian, 0.045%; no homozygotes.

Submission:

Labcorp Genetics (formerly Invitae), Labcorp
Classification: Uncertain significance. Last evaluated: 2025-08-26. Review status: criteria provided, single submitter. Criteria: Invitae Variant Classification Sherloc (09022015). Collection method: clinical testing. Allele origin: germline.
Comment: This sequence change replaces alanine, which is neutral and non-polar, with valine, which is neutral and non-polar, at codon 70 of the SEPT9 protein (p.Ala70Val). This variant is present in population databases (rs775564155, gnomAD 0.05%), and has an allele count higher than expected for a pathogenic variant. This variant has not been reported in the literature in individuals affected with SEPT9-related conditions. ClinVar contains an entry for this variant (Variation ID: 3002773). An algorithm developed to predict the effect of missense changes on protein structure and function (PolyPhen-2) suggests that this variant is likely to be tolerated. In summary, the available evidence is currently insufficient to determine the role of this variant in disease. Therefore, it has been classified as a Variant of Uncertain Significance.

NM_001113491.2(SEPTIN9):c.263C>T (p.Ala88Val)

Gene: SEPTIN9 (septin 9; plus strand). Cytogenetic location: 17q25.3.
Variant type: single nucleotide variant.
Coding change: c.263C>T on transcript NM_001113491.2 (MANE Select); coding-DNA position 263, C replaced by T.
Protein change: p.Ala88Val; replaces alanine 88 with valine.
Molecular consequence: missense variant. On other transcripts: 5 prime UTR variant (2).
Genome position (GRCh38, 1-based): chr17:77,402,245, C>T. VCF-style: chr17-77402245-C-T. GRCh37 (hg19) VCF-style: chr17-75398327-C-T.
Other names: c.-230C>T (NM_001113492.2, NM_001113494.1); c.242C>T, p.Ala81Val (NM_001113493.2); c.206C>T, p.Ala69Val (NM_001293695.2); c.209C>T, p.Ala70Val (NM_006640.5); short protein forms A69V, A81V, A88V, A70V.
Identifiers: ClinVar variation 3002773 (VCV003002773.3), dbSNP rs775564155, ClinGen allele CA8793156.